The following is an entry in ClinVar:

ClinVar aggregate classification (germline): Uncertain significance. Review status: criteria provided, multiple submitters, no conflicts (2 of 4 stars). 3 submissions from 3 submitters: Uncertain significance (3). Last evaluated 2024-03-18.

Conditions:
Megaloblastic anemia, thiamine-responsive, with diabetes mellitus and sensorineural deafness (TRMA). Also called: THIAMINE-RESPONSIVE ANEMIA SYNDROME; THIAMINE-RESPONSIVE MYELODYSPLASIA; THIAMINE METABOLISM DYSFUNCTION SYNDROME 1 (MEGALOBLASTIC ANEMIA, DIABETES MELLITUS, AND DEAFNESS TYPE); ROGERS SYNDROME; Thiamine-Responsive Megaloblastic Anemia Syndrome. Identifiers: Orphanet 49827, MedGen C0342287, MONDO:0009575, OMIM 249270.

gnomAD v4.1: 5 of 1,614,112 alleles (0.00031%); highest among the groups gnomAD compares: Non-Finnish European, 0.00042%; no homozygotes.

Submissions (3):

Fulgent Genetics
Classification: Uncertain significance for Megaloblastic anemia, thiamine-responsive, with diabetes mellitus and sensorineural deafness. Last evaluated: 2024-03-18. Review status: criteria provided, single submitter. Criteria: ACMG Guidelines, 2015. Collection method: clinical testing. Allele origin: germline.

Labcorp Genetics (formerly Invitae), Labcorp
Classification: Uncertain significance. Last evaluated: 2021-11-18. Review status: criteria provided, single submitter. Criteria: Invitae Variant Classification Sherloc (09022015). Collection method: clinical testing. Allele origin: germline.
Comment: In summary, the available evidence is currently insufficient to determine the role of this variant in disease. Therefore, it has been classified as a Variant of Uncertain Significance. Advanced modeling of protein sequence and biophysical properties (such as structural, functional, and spatial information, amino acid conservation, physicochemical variation, residue mobility, and thermodynamic stability) performed at Invitae indicates that this missense variant is expected to disrupt SLC19A2 protein function. This variant has not been reported in the literature in individuals affected with SLC19A2-related conditions. This variant is not present in population databases (gnomAD no frequency). This sequence change replaces serine, which is neutral and polar, with tyrosine, which is neutral and polar, at codon 291 of the SLC19A2 protein (p.Ser291Tyr).

Blueprint Genetics
Classification: Uncertain significance. Last evaluated: 2021-09-02. Review status: criteria provided, single submitter. Criteria: ACMG Guidelines, 2015. Collection method: clinical testing. Allele origin: germline.

NM_006996.3(SLC19A2):c.872C>A (p.Ser291Tyr)

Gene: SLC19A2 (solute carrier family 19 member 2; minus strand). Cytogenetic location: 1q24.2.
Variant type: single nucleotide variant.
Coding change: c.872C>A on transcript NM_006996.3 (MANE Select); coding-DNA position 872, C replaced by A.
Protein change: p.Ser291Tyr; replaces serine 291 with tyrosine.
Molecular consequence: missense variant.
Genome position (GRCh38, 1-based): chr1:169,470,122, G>T on the plus strand (C>A on the coding strand, the complement: SLC19A2 is on the minus strand). VCF-style: chr1-169470122-G-T. GRCh37 (hg19) VCF-style: chr1-169439360-G-T.
Other names: c.269C>A, p.Ser90Tyr (NM_001319667.1); short protein forms S291Y, S90Y.
Identifiers: ClinVar variation 1426549 (VCV001426549.8), dbSNP rs1658133770, ClinGen allele CA343132368.